The following is an entry in ClinVar:

NM_000092.5(COL4A4):c.3116G>A (p.Gly1039Glu)

Gene: COL4A4 (collagen type IV alpha 4 chain; minus strand). Cytogenetic location: 2q36.3.
Variant type: single nucleotide variant.
Coding change: c.3116G>A on transcript NM_000092.5 (MANE Select); coding-DNA position 3116, G replaced by A.
Protein change: p.Gly1039Glu; replaces glycine 1039 with glutamic acid.
Molecular consequence: missense variant.
Genome position (GRCh38, 1-based): chr2:227,051,011, C>T on the plus strand (G>A on the coding strand, the complement: COL4A4 is on the minus strand). VCF-style: chr2-227051011-C-T. GRCh37 (hg19) VCF-style: chr2-227915727-C-T.
Other names: short protein forms G1039E.
Identifiers: ClinVar variation 4817325 (VCV004817325.1).
Genomic context (GRCh38, chr2:227,051,011, plus strand): 5'-TCCCCCACAAAGCAGTAGCCCCTTACCTGGTCACCTGGAAGTCCTGGAAAACCAATGAAC[C>T]CTCTTAGACCAGTTGAGCCTGGAGGGCCTGGGGGTCCAGGAGGCCCTGGCTGACCTTTCT-3'
Protein context (NP_000083.3, residues 1029-1049): PGPPGSTGLR[Gly1039Glu]FIGFPGLPGD

ClinVar aggregate classification (germline): Likely pathogenic (1 of 4 stars; one submission).

Conditions:
Alport syndrome. Also called: Hemorrhagic familial nephritis; Hemorrhagic hereditary nephritis; Congenital hereditary hematuria. Identifiers: Orphanet 63, MedGen C1567741, MONDO:0018965.

Submission:

Natera, Inc.
Classification: Likely pathogenic for Alport syndrome. Last evaluated: 2025-11-26. Review status: criteria provided, single submitter. Criteria: Natera Variant Classification Schema (03/2026). Collection method: clinical testing. Allele origin: germline.
Comment: The c.3116G>A variant in COL4A4 is a missense variant predicted to cause substitution of glycine to glutamic acid at amino acid 1039. This variant is rare in the general population with a frequency below the threshold expected for the associated phenotype(s). This variant is located in a functionally critical region of the protein. Computational prediction algorithms indicate this variant is likely to affect gene or protein function. Given the available evidence, this variant is classified as Likely Pathogenic.